The following continues an entry in ClinVar:

NM_000535.7(PMS2):c.736_741delinsTGTGTGTGAAG (p.Pro246_Pro247delinsCysValTer)

Gene: PMS2. ClinVar aggregate classification (germline): Pathogenic. Pathogenic (1).

Submissions 21 to 29 of 29:

Fulgent Genetics
Classification: Pathogenic for Mismatch repair cancer syndrome 1; Lynch syndrome 4. Last evaluated: 2018-10-31. Review status: criteria provided, single submitter. Criteria: ACMG Guidelines, 2015. Collection method: clinical testing. Allele origin: unknown. Not counted in ClinVar's aggregate classification.

Human Genome Sequencing Center Clinical Lab, Baylor College of Medicine
Classification: Pathogenic for Lynch syndrome 4. Last evaluated: 2018-02-14. Review status: criteria provided, single submitter. Criteria: ACMG Guidelines, 2015. Collection method: clinical testing. Allele origin: germline. Not counted in ClinVar's aggregate classification.
Comment: This c.736_741delinsTGTGTGTGAAG (p.Pro246Cysfs*3) variant is predicted to result in a premature stop codon and has been reported in multiple individuals with Lynch syndrome-associated tumors (PMID: 16619239, 24323032, 18178629, 21376568). Therefore, c.736_741delinsTGTGTGTGAAG (p.P246Vfs*3) variant in the PMS2 gene is classified as pathogenic.

Women's Health and Genetics/Laboratory Corporation of America, LabCorp
Classification: Pathogenic for Hereditary nonpolyposis colon cancer. Last evaluated: 2017-04-21. Review status: criteria provided, single submitter. Criteria: LabCorp Variant Classification Summary - May 2015. Collection method: clinical testing. Allele origin: germline. Not counted in ClinVar's aggregate classification.
Comment: Variant summary: The PMS2 c.736_741delinsTGTGTGTGAAG (p.Pro246Cysfs) variant results in a premature termination codon, predicted to cause a truncated or absent PMS2 protein due to nonsense mediated decay, which are commonly known mechanisms for disease. Truncations downstream of this position have been classified as pathogenic by our laboratory (e.g. c.823C>T; p.Gln275X, c.861_864delACAG; p.Arg287fs). One in silico tool predicts a damaging outcome for this variant. The variant of interest is absent in a large, broad control population, ExAC in 120338 control chromosomes. The variant of interest has been reported in multiple affected individuals via publications and it was suggested that it might be a founder mutation in Swedish/Scandinavian populations (Clendenning_JMG_2008, van der Klift_Hum Mutat_2016). In addition, IHC performed on tumors showed selective lack of staining of PMS2. Lastly, multiple clinical diagnostic laboratories/reputable databases classified this variant as pathogenic. Taken together, this variant is classified as pathogenic.

St. Jude Molecular Pathology, St. Jude Children's Research Hospital
Classification: Pathogenic for Lymphoma; Burkitt lymphoma. Last evaluated: 2017-03-07. Review status: criteria provided, single submitter. Criteria: ACMG Guidelines, 2015. Collection method: clinical testing. Allele origin: germline. Affected: yes. Not counted in ClinVar's aggregate classification.
Comment: This is a frameshift alteration in which coding nucleotides 736 through 741 are deleted and replaced with 11 nucleotides. This is predicted to change a Proline to a Cysteine at amino acid codon 246 and shift the reading frame. Classification criteria: PVS1, PS3, PM2.

HudsonAlpha Institute for Biotechnology
Classification: Pathogenic for Lynch syndrome 4. Last evaluated: 2014-12-09. Review status: criteria provided, single submitter. Criteria: HA_assertions_20150911. Collection method: research. Allele origin: unknown. Observed: 1 variant allele. Study: CSER-HudsonAlpha. Not counted in ClinVar's aggregate classification.

Institute of Human Genetics, Medical University Innsbruck
Classification: Pathogenic for Mismatch repair cancer syndrome 1. Last evaluated: 2020-05-06. Review status: no assertion criteria provided. Collection method: research. Allele origin: germline. Affected: yes. Observed: 1 compound heterozygote. Not counted in ClinVar's aggregate classification.
Comment: This variant, NM_000535.6:c.736_741delinsTGTGTGTGAAG, was found in compound heterozygosity with the pathogenic variant NM_000535.6:c.2404C>T. Sample UAB332 in Perez J et al, Genet Med (PMID: 32773772).

OMIM
Classification: Pathogenic for LYNCH SYNDROME 4. Last evaluated: 2008-06-01. Review status: no assertion criteria provided. Collection method: literature only. Allele origin: germline. Not counted in ClinVar's aggregate classification.

CHARM Consortium
No classification provided. Condition: Lynch syndrome. Review status: no classification provided. Collection method: phenotyping only. Allele origin: germline. Affected: yes. Not counted in ClinVar's aggregate classification.

Department of Pathology and Laboratory Medicine, Sinai Health System
Classification: Pathogenic for Carcinoma of colon. Review status: no assertion criteria provided. Collection method: clinical testing. Allele origin: unknown. Affected: yes. Study: The Canadian Open Genetics Repository (COGR). Not counted in ClinVar's aggregate classification.
Comment: The PMS2 p.Pro246CysfsX3 variant was identified in 34 of 2806 proband chromosomes (frequency: 0.012) from individuals or families with endometrial cancer, colorectal cancer, intestinal cancer, cerebral angiosarcoma, (Buchanan 2014, Clendenning 2006, Clendenning 2008, Halvarsson 2006, Herkert 2011, Lagerstedt-Robinson 2007, Senter 2008). The variant was also identified in the following databases: dbSNP (ID: rs267608150) as With Pathogenic allele, ClinVar (classified as pathogenic by InSight, GeneDx, Ambry Genetics, Invitae, OMIM), Clinvitae (as pathogenic), COGR, Insight Colon Cancer Gene Variant Database (32X class5), and the Insight Hereditary Tumors Database (32X class5). The variant was not identifies in Zhejiang Colon Cancer Database or the Mismatch Repair Genes Variant Database. The variant was identified in control databases in 5 of 275066 chromosomes at a frequency of 0.00002 (Genome Aggregation Consortium Feb 27, 2017). The c.736_741delinsTGTGTGTGAAG variant is predicted to cause a frameshift, which alters the protein's amino acid sequence beginning at codon 246 and leads to a premature stop codon at position 248. This alteration is then predicted to result in a truncated or absent protein and loss of function. Loss of function variants of the PMS2 gene are an established mechanism of disease in colorectal cancer and is the type of variant expected to cause the disorder. In summary, based on the above information, this variant meets our laboratoryâ€šÃ„Ã´s criteria to be classified as pathogenic.

Literature cited by the submitters: PubMed 16619239 (cited by 4 submitters); PubMed 18178629 (cited by 8 submitters); PubMed 18602922 (cited by 4 submitters); PubMed 20487569 (cited by Ambry Genetics); PubMed 21376568 (cited by 6 submitters); PubMed 24323032 (cited by 5 submitters); PubMed 26681312 (cited by 3 submitters); PubMed 28466842 (cited by 5 submitters); PubMed 20682701 (cited by Color Diagnostics, LLC DBA Color Health); PubMed 23733757 (cited by Color Diagnostics, LLC DBA Color Health and Laboratory for Molecular Medicine, Mass General Brigham Personalized Medicine); PubMed 27435373 (cited by 4 submitters); PubMed 30702970 (cited by Color Diagnostics, LLC DBA Color Health and Quest Diagnostics Nichols Institute San Juan Capistrano); PubMed 32773772 (cited by 4 submitters); PubMed 20186688 (cited by Mayo Clinic Laboratories, Mayo Clinic); PubMed 21204794 (cited by Mayo Clinic Laboratories, Mayo Clinic); PubMed 31992580 (cited by Mayo Clinic Laboratories, Mayo Clinic).